The following is an entry in ClinVar:

NC_000023.10:g.(?_103042707)_(103045526_?)del

Gene: PLP1 (proteolipid protein 1; plus strand). Cytogenetic location: Xq22.2.
Variant type: Deletion.
Identifiers: ClinVar variation 2423246 (VCV002423246.4).

ClinVar aggregate classification (germline): Pathogenic (1 of 4 stars; one submission).

Conditions:
Hereditary spastic paraplegia 2 (SPG2). Also called: Spastic Paraplegia 2 (SPG2); SPASTIC PARAPLEGIA 2, X-LINKED. Identifiers: Orphanet 99015, MedGen C0751604, MONDO:0010733, OMIM 312920.

Submission:

Labcorp Genetics (formerly Invitae), Labcorp
Classification: Pathogenic for Hereditary spastic paraplegia 2. Last evaluated: 2022-05-15. Review status: criteria provided, single submitter. Criteria: Invitae Variant Classification Sherloc (09022015). Collection method: clinical testing. Allele origin: germline.
Comment: This variant is a gross deletion of the genomic region encompassing exon(s) 4-7 of the PLP1 gene, which includes the termination codon. This deletion extends beyond the assayed region for this gene and therefore may encompass additional genes. While this deletion is not anticipated to lead to nonsense mediated decay, it is expected to alter mRNA translation or result in a truncated protein product. This variant has not been reported in the literature in individuals affected with PLP1-related conditions. This variant disrupts a region of the PLP1 protein in which other variant(s) (p.Leu224Phe) have been determined to be pathogenic (PMID: 23347225, 26786043; Invitae). This suggests that this is a clinically significant region of the protein, and that variants that disrupt it are likely to be disease-causing. For these reasons, this variant has been classified as Pathogenic.

Literature cited by the submitters: PubMed 23347225; PubMed 26786043.